The following is an entry in ClinVar:

NM_000878.5(IL2RB):c.1332C>T (p.Ala444=)

Gene: IL2RB (interleukin 2 receptor subunit beta; minus strand). Cytogenetic location: 22q12.3.
Variant type: single nucleotide variant.
Coding change: c.1332C>T on transcript NM_000878.5 (MANE Select); coding-DNA position 1332, C replaced by T.
Protein change: p.Ala444=; no amino-acid change (alanine 444 retained).
Molecular consequence: synonymous variant.
Genome position (GRCh38, 1-based): chr22:37,128,420, G>A on the plus strand (C>T on the coding strand, the complement: IL2RB is on the minus strand). VCF-style: chr22-37128420-G-A. GRCh37 (hg19) VCF-style: chr22-37524460-G-A.
Other names: p.Ala444=; c.1332C>T, p.Ala444= (NM_001346222.1, NM_001346223.2).
Identifiers: ClinVar variation 1528180 (VCV001528180.10), dbSNP rs375951025, ClinGen allele CA10216356.

ClinVar aggregate classification (germline): Likely benign. Review status: criteria provided, multiple submitters, no conflicts (2 of 4 stars). 3 submissions from 3 submitters: Likely benign (3). Last evaluated 2026-01-17.

Allele frequency attached by ClinVar (database versions not stated): gnomAD exomes 0.00001 and 0.00002; gnomAD 0.00002; ExAC 0.00004.
gnomAD v4.1: 32 of 1,523,416 alleles (0.0021%); highest among the groups gnomAD compares: East Asian, 0.027%; 1 homozygote.

Submissions (3):

Labcorp Genetics (formerly Invitae), Labcorp
Classification: Likely benign. Last evaluated: 2026-01-17. Review status: criteria provided, single submitter. Criteria: Invitae Variant Classification Sherloc (09022015). Collection method: clinical testing. Allele origin: germline.

Mayo Clinic Laboratories, Mayo Clinic
Classification: Likely benign. Last evaluated: 2025-08-13. Review status: criteria provided, single submitter. Criteria: ACMG Guidelines, 2015. Collection method: clinical testing. Allele origin: germline. Observed: 1 variant allele.
Comment: BP4, BP7

Blueprint Genetics
Classification: Likely benign. Last evaluated: 2024-10-28. Review status: criteria provided, single submitter. Criteria: ACMG Guidelines, 2015. Collection method: clinical testing. Allele origin: germline.